The following is an entry in ClinVar:

NM_006660.5(CLPX):c.39C>T (p.Ala13=)

Gene: CLPX (caseinolytic mitochondrial matrix peptidase chaperone subunit X; minus strand). Cytogenetic location: 15q22.31.
Variant type: single nucleotide variant.
Coding change: c.39C>T on transcript NM_006660.5 (MANE Select); coding-DNA position 39, C replaced by T.
Protein change: p.Ala13=; no amino-acid change (alanine 13 retained).
Molecular consequence: synonymous variant. On other transcripts: non-coding transcript variant (1).
Genome position (GRCh38, 1-based): chr15:65,185,115, G>A on the plus strand (C>T on the coding strand, the complement: CLPX is on the minus strand). VCF-style: chr15-65185115-G-A. GRCh37 (hg19) VCF-style: chr15-65477453-G-A.
Identifiers: ClinVar variation 4990318 (VCV004990318.1).

ClinVar aggregate classification (germline): Likely benign (1 of 4 stars; one submission).

Conditions:
CLPX-related disorder. Also called: CLPX-related condition.

gnomAD v4.1: 17 of 1,582,572 alleles (0.0011%); highest among the groups gnomAD compares: East Asian, 0.0069%; no homozygotes.

Submission:

PreventionGenetics, part of Exact Sciences
Classification: Likely benign for CLPX-related condition. Last evaluated: 2025-12-15. Review status: criteria provided, single submitter. Criteria: ACMG Guidelines, 2015. Collection method: clinical testing. Allele origin: germline.
Comment: This variant is classified as likely benign based on ACMG/AMP sequence variant interpretation guidelines (Richards et al. 2015 PMID: 25741868, with internal and published modifications).